The following is an entry in ClinVar:

ClinVar aggregate classification (germline): Uncertain significance. Review status: criteria provided, multiple submitters, no conflicts (2 of 4 stars). 2 submissions from 2 submitters: Uncertain significance (2). Last evaluated 2024-05-15.

Conditions:
Inborn genetic diseases. Identifiers: MedGen C0950123, MeSH D030342.

Allele frequency attached by ClinVar (database versions not stated): gnomAD exomes below 0.00001; TOPMed 0.00001.

Submissions (2):

Ambry Genetics
Classification: Uncertain significance for Inborn genetic diseases. Last evaluated: 2024-05-15. Review status: criteria provided, single submitter. Criteria: Ambry Variant Classification Scheme 2023. Collection method: clinical testing. Allele origin: germline.

Labcorp Genetics (formerly Invitae), Labcorp
Classification: Uncertain significance. Last evaluated: 2024-01-22. Review status: criteria provided, single submitter. Criteria: Invitae Variant Classification Sherloc (09022015). Collection method: clinical testing. Allele origin: germline.
Comment: This sequence change replaces proline, which is neutral and non-polar, with serine, which is neutral and polar, at codon 392 of the TBCD protein (p.Pro392Ser). This variant is present in population databases (no rsID available, gnomAD no frequency). This variant has not been reported in the literature in individuals affected with TBCD-related conditions. ClinVar contains an entry for this variant (Variation ID: 1968749). Advanced modeling of protein sequence and biophysical properties (such as structural, functional, and spatial information, amino acid conservation, physicochemical variation, residue mobility, and thermodynamic stability) has been performed at Invitae for this missense variant, however the output from this modeling did not meet the statistical confidence thresholds required to predict the impact of this variant on TBCD protein function. In summary, the available evidence is currently insufficient to determine the role of this variant in disease. Therefore, it has been classified as a Variant of Uncertain Significance.

NM_005993.5(TBCD):c.1174C>T (p.Pro392Ser)

Gene: TBCD (tubulin folding cofactor D). Cytogenetic location: 17q25.3.
Variant type: single nucleotide variant.
Coding change: c.1174C>T on transcript NM_005993.5 (MANE Select); coding-DNA position 1174, C replaced by T.
Protein change: p.Pro392Ser; replaces proline 392 with serine.
Molecular consequence: missense variant.
Genome position (GRCh38, 1-based): chr17:82,809,733, C>T. VCF-style: chr17-82809733-C-T. GRCh37 (hg19) VCF-style: chr17-80767609-C-T.
Other names: c.1123C>T, p.Pro375Ser (NM_001411101.1); c.1174C>T, p.Pro392Ser (NM_001411102.1); c.1174C>T (NM_005993.4); short protein forms P392S, P375S.
Identifiers: ClinVar variation 1968749 (VCV001968749.6), dbSNP rs995978899, ClinGen allele CA295245674.